The following is an entry in ClinVar:

ClinVar aggregate classification (germline): Likely pathogenic (1 of 4 stars; one submission).

Conditions:
Propionic acidemia (PROP). Also called: GLYCINEMIA, KETOTIC; HYPERGLYCINEMIA WITH KETOACIDOSIS AND LEUKOPENIA; KETOTIC HYPERGLYCINEMIA. Identifiers: Orphanet 35, MedGen C0268579, MONDO:0011628, OMIM 606054, HP:0003571.

Submission:

Labcorp Genetics (formerly Invitae), Labcorp
Classification: Likely pathogenic for Propionic acidemia. Last evaluated: 2021-09-02. Review status: criteria provided, single submitter. Criteria: Invitae Variant Classification Sherloc (09022015). Collection method: clinical testing. Allele origin: germline.
Comment: In summary, the currently available evidence indicates that the variant is pathogenic, but additional data are needed to prove that conclusively. Therefore, this variant has been classified as Likely Pathogenic. Experimental studies and prediction algorithms are not available or were not evaluated, and the functional significance of this variant is currently unknown. A similar copy number variant has been observed in individual(s) with clinical features of propionic acidemia (Invitae). In at least one individual the data is consistent with the variant being in trans (on the opposite chromosome) from a pathogenic variant. This variant is a gross deletion of the genomic region encompassing exon(s) 20 of the PCCA gene. This variant would be expected to be in-frame, preserving the integrity of the reading frame.

NC_000013.11:g.(?_100425613)_(100425751_?)del

Gene: PCCA (propionyl-CoA carboxylase subunit alpha; plus strand). Cytogenetic location: 13q32.3.
Variant type: Deletion.
Identifiers: ClinVar variation 831700 (VCV000831700.5).